The following is an entry in ClinVar:

ClinVar aggregate classification (germline): Uncertain significance (0 of 4 stars; one submission).

Conditions:
CLDN9-related disorder. Also called: CLDN9-related condition.

Allele frequency attached by ClinVar (database versions not stated): ExAC 0.00021.

Submission:

PreventionGenetics, part of Exact Sciences
Classification: Uncertain significance for CLDN9-related condition. Last evaluated: 2023-11-29. Review status: no assertion criteria provided. Collection method: clinical testing. Allele origin: germline.
Comment: The CLDN9 c.571G>A variant is predicted to result in the amino acid substitution p.Glu191Lys. To our knowledge, this variant has not been reported in the literature. This variant is reported in 0.14% of alleles in individuals of Latino descent in gnomAD. Although we suspect that this variant may be benign, at this time, the clinical significance of this variant is uncertain due to the absence of conclusive functional and genetic evidence.

NM_020982.4(CLDN9):c.571G>A (p.Glu191Lys)

Gene: CLDN9 (claudin 9; plus strand). Cytogenetic location: 16p13.3.
Variant type: single nucleotide variant.
Coding change: c.571G>A on transcript NM_020982.4 (MANE Select); coding-DNA position 571, G replaced by A.
Protein change: p.Glu191Lys; replaces glutamic acid 191 with lysine.
Molecular consequence: missense variant.
Genome position (GRCh38, 1-based): chr16:3,013,933, G>A. VCF-style: chr16-3013933-G-A. GRCh37 (hg19) VCF-style: chr16-3063934-G-A.
Other names: short protein forms E191K.
Identifiers: ClinVar variation 3036113 (VCV003036113.2), dbSNP rs760288322, ClinGen allele CA7854128.